The following is an entry in ClinVar:

NM_000132.4(F8):c.2506dup (p.Ser836fs)

Gene: F8 (coagulation factor VIII; minus strand). Cytogenetic location: Xq28.
Variant type: Duplication.
Coding change: c.2506dup on transcript NM_000132.4 (MANE Select); coding-DNA position 2506, one base duplicated (T; older notation c.2506dupT).
Protein change: p.Ser836fs; shifts the reading frame from serine 836.
Molecular consequence: frameshift variant.
Genome position (GRCh38, 1-based): chrX:154,931,284, A duplicated on the plus strand (T on the coding strand, the reverse complement: F8 is on the minus strand); the first of 5 consecutive A bases (chrX:154,931,284-154,931,288); duplicating any one gives the same sequence. VCF-style (leftmost placement, unchanged base first): chrX-154931283-G-GA. GRCh37 (hg19) VCF-style: chrX-154159558-G-GA.
Other names: short protein forms S836fs.
Identifiers: ClinVar variation 1330905 (VCV001330905.7), dbSNP rs2124053251, ClinGen allele CA2573055190.

ClinVar aggregate classification (germline): Pathogenic (1 of 4 stars; one submission).

Conditions:
Hereditary factor VIII deficiency disease (HEMA). Also called: HEMOPHILIA, CLASSIC; AUTOSOMAL HEMOPHILIA A; Hemophilia A; Hemophilia A, congenital; HEM A; Factor 8 deficiency, congenital. Identifiers: Orphanet 98878, MedGen C0019069, MONDO:0010602, OMIM 306700.

Submission:

ARUP Laboratories, Molecular Genetics and Genomics, ARUP Laboratories
Classification: Pathogenic for Hereditary factor VIII deficiency disease. Last evaluated: 2021-02-02. Review status: criteria provided, single submitter. Criteria: ARUP Molecular Germline Variant Investigation Process 2021. Collection method: clinical testing. Allele origin: germline.
Comment: The F8 c.2506dupT; p.Ser836PhefsTer2 variant, to our knowledge, is not reported in the medical literature or gene specific databases. This variant is absent from general population databases (Exome Variant Server, Genome Aggregation Database), indicating it is not a common polymorphism. This variant causes a frameshift by inserting a single nucleotide, so it is predicted to result in a truncated protein or mRNA subject to nonsense-mediated decay. Additionally, several downstream truncating variants have been described in individuals with hemophilia A and are considered pathogenic (Lu 2018). Based on available information, this variant is considered to be pathogenic. References: Lu Y et al. Spectrum and origin of mutations in sporadic cases of haemophilia A in China. Haemophilia. 2018 Mar;24(2):291-298.